The following is an entry in ClinVar:

NM_000038.6(APC):c.3167T>C (p.Ile1056Thr)

Gene: APC (APC regulator of Wnt signaling pathway; plus strand). Cytogenetic location: 5q22.2.
Variant type: single nucleotide variant.
Coding change: c.3167T>C on transcript NM_000038.6 (MANE Select); coding-DNA position 3167, T replaced by C.
Protein change: p.Ile1056Thr; replaces isoleucine 1056 with threonine.
Molecular consequence: missense variant.
Genome position (GRCh38, 1-based): chr5:112,838,761, T>C. VCF-style: chr5-112838761-T-C. GRCh37 (hg19) VCF-style: chr5-112174458-T-C.
Other names: c.3167T>C, p.Ile1056Thr (NM_001127510.3, NM_001354895.2); c.3113T>C, p.Ile1038Thr (NM_001127511.3); c.3221T>C, p.Ile1074Thr (NM_001354896.2); c.3197T>C, p.Ile1066Thr (NM_001354897.2); c.3092T>C, p.Ile1031Thr (NM_001354898.2); c.3083T>C, p.Ile1028Thr (NM_001354899.2); c.3044T>C, p.Ile1015Thr (NM_001354900.2); c.2990T>C, p.Ile997Thr (NM_001354901.2); and 5 more; short protein forms I1056T, I1038T, I1015T, I1028T, I930T, I965T, I1066T, I997T.
Identifiers: ClinVar variation 537445 (VCV000537445.14), dbSNP rs1554084790, ClinGen allele CA16028273.
Genomic context (GRCh38, chr5:112,838,761, plus strand): 5'-TGAACTCTGGAAGGCAAAGTCCTTCACAGAATGAAAGATGGGCAAGACCCAAACACATAA[T>C]AGAAGATGAAATAAAACAAAGTGAGCAAAGACAATCAAGGAATCAAAGTACAACTTATCC-3'
Protein context (NP_000029.2, residues 1046-1066): NERWARPKHI[Ile1056Thr]EDEIKQSEQR

ClinVar aggregate classification (germline): Uncertain significance. Review status: criteria provided, multiple submitters, no conflicts (2 of 4 stars). 3 submissions from 3 submitters: Uncertain significance (3). Last evaluated 2025-04-16.

Conditions:
Classic or attenuated familial adenomatous polyposis. Identifiers: MedGen CN372698, MONDO:0021057.
Familial adenomatous polyposis 1 (FAP1). Also called: FAMILIAL ADENOMATOUS POLYPOSIS 1, ATTENUATED; POLYPOSIS, ADENOMATOUS INTESTINAL. Identifiers: MedGen C2713442, MONDO:0021056, OMIM 175100. Disease mechanism: loss of function.
Hereditary cancer-predisposing syndrome. Also called: Tumor predisposition; Hereditary Cancer Syndrome; Hereditary neoplastic syndrome; Neoplastic Syndromes, Hereditary. Identifiers: Orphanet 140162, MedGen C0027672, MeSH D009386, MONDO:0015356.

Allele frequency attached by ClinVar (database versions not stated): gnomAD exomes below 0.00001.
gnomAD v4.1: 3 of 1,614,000 alleles (0.00019%); highest among the groups gnomAD compares: South Asian, 0.0022%; no homozygotes.

Submissions (3):

Ambry Genetics
Classification: Uncertain significance for Hereditary cancer-predisposing syndrome. Last evaluated: 2025-04-16. Review status: criteria provided, single submitter. Criteria: Ambry Variant Classification Scheme 2023. Collection method: clinical testing. Allele origin: germline.
Comment: The p.I1056T variant (also known as c.3167T>C), located in coding exon 15 of the APC gene, results from a T to C substitution at nucleotide position 3167. The isoleucine at codon 1056 is replaced by threonine, an amino acid with similar properties. This amino acid position is well conserved in available vertebrate species. In addition, in silico predictors for this gene do not accurately predict pathogenicity. Missense alterations in APC are not a common cause of disease (Spier I et al. Genet Med. 2024 Feb;26(2):100992). Based on the available evidence, the clinical significance of this variant remains unclear.

All of Us Research Program, National Institutes of Health
Classification: Uncertain significance for Classic or attenuated familial adenomatous polyposis. Last evaluated: 2024-03-24. Review status: criteria provided, single submitter. Criteria: ACMG Guidelines, 2015. Collection method: clinical testing. Allele origin: germline. Inheritance: Autosomal dominant inheritance. Observed: 1 variant allele, 1 heterozygote.
Comment: This missense variant replaces isoleucine with threonine at codon 1056 of the APC protein. Computational prediction suggests that this variant may not impact protein structure and function (internally defined REVEL score threshold <= 0.5, PMID: 27666373). To our knowledge, functional studies have not been reported for this variant. This variant has not been reported in individuals affected with APC-related disorders in the literature. This variant has not been identified in the general population by the Genome Aggregation Database (gnomAD). The available evidence is insufficient to determine the role of this variant in disease conclusively. Therefore, this variant is classified as a Variant of Uncertain Significance.

This study involves interpretation of variants in research participants for the purpose of population health screening. Participant phenotype was not available at the time of variant classification. Additional details can be found in publication PMID: 35346344, PMCID: PMC8962531

Labcorp Genetics (formerly Invitae), Labcorp
Classification: Uncertain significance for Familial adenomatous polyposis 1. Last evaluated: 2024-03-15. Review status: criteria provided, single submitter. Criteria: Invitae Variant Classification Sherloc (09022015). Collection method: clinical testing. Allele origin: germline.
Comment: This sequence change replaces isoleucine, which is neutral and non-polar, with threonine, which is neutral and polar, at codon 1056 of the APC protein (p.Ile1056Thr). This variant is not present in population databases (gnomAD no frequency). This variant has not been reported in the literature in individuals affected with APC-related conditions. ClinVar contains an entry for this variant (Variation ID: 537445). Advanced modeling of protein sequence and biophysical properties (such as structural, functional, and spatial information, amino acid conservation, physicochemical variation, residue mobility, and thermodynamic stability) performed at Invitae indicates that this missense variant is not expected to disrupt APC protein function with a negative predictive value of 95%. In summary, the available evidence is currently insufficient to determine the role of this variant in disease. Therefore, it has been classified as a Variant of Uncertain Significance.